The following is an entry in ClinVar:

NM_000742.4(CHRNA2):c.-561A>T

Gene: CHRNA2 (cholinergic receptor nicotinic alpha 2 subunit; minus strand). Cytogenetic location: 8p21.2.
Variant type: single nucleotide variant.
Coding change: c.-561A>T on transcript NM_000742.4 (MANE Select); 561 bases upstream of the start codon, A replaced by T.
Molecular consequence: 5 prime UTR variant.
Genome position (GRCh38, 1-based): chr8:27,479,248, T>A on the plus strand (A>T on the coding strand, the complement: CHRNA2 is on the minus strand). VCF-style: chr8-27479248-T-A. GRCh37 (hg19) VCF-style: chr8-27336765-T-A.
Other names: NC_000008.10:g.27336765T>A; c.-561A>T (NM_001282455.2); c.-988A>T (NM_001347705.2); c.-1033A>T (NM_001347706.2); c.-1034A>T (NM_001347707.2); c.-1022A>T (NM_001347708.2).
Identifiers: ClinVar variation 362714 (VCV000362714.7), dbSNP rs111661898, ClinGen allele CA10630799.

ClinVar aggregate classification (germline): Benign. Review status: criteria provided, multiple submitters, no conflicts (2 of 4 stars). 2 submissions from 2 submitters: Benign (2). Last evaluated 2018-01-13.

Conditions:
Autosomal dominant nocturnal frontal lobe epilepsy 4. Also called: EPILEPSY, FAMILIAL, WITH NOCTURNAL WANDERING AND ICTAL FEAR; CHRNA2-Related Nocturnal Frontal Lobe Epilepsy, Autosomal Dominant. Identifiers: Orphanet 98784, MedGen C1835905, MONDO:0012474, OMIM 610353.

Allele frequency attached by ClinVar (database versions not stated): gnomAD exomes 0.00525; gnomAD 0.06440 and 0.06819; TOPMed 0.06955; 1000 Genomes Project 0.07188.
gnomAD v4.1: 9,186 of 144,926 alleles (6.3%); highest among the groups gnomAD compares: African/African-American, 21%; 827 homozygotes.

Submissions (3):

Illumina Laboratory Services, Illumina
Classification: Benign for Autosomal dominant nocturnal frontal lobe epilepsy 4. Last evaluated: 2018-01-13. Review status: criteria provided, single submitter. Criteria: ICSL Variant Classification Criteria 13 December 2019. Collection method: clinical testing. Allele origin: germline.
Comment: This variant was observed in the ICSL laboratory as part of a predisposition screen in an ostensibly healthy population. It had not been previously curated by ICSL or reported in the Human Gene Mutation Database (HGMD: prior to June 1st, 2018), and was therefore a candidate for classification through an automated scoring system. Utilizing variant allele frequency, disease prevalence and penetrance estimates, and inheritance mode, an automated score was calculated to assess if this variant is too frequent to cause the disease. Based on the score and internal cut-off values, a variant classified as benign is not then subjected to further curation. The score for this variant resulted in a classification of benign for this disease.

Breakthrough Genomics
Classification: Benign. Review status: criteria provided, single submitter. Criteria: ACMG Guidelines, 2015. Collection method: not provided. Allele origin: germline. Inheritance: Autosomal dominant inheritance. Affected: yes.

Dr. Peter K. Rogan Lab, Western University
No classification provided (evidence only). Condition: Sarcoma. Review status: no classification provided. Collection method: in vitro. Allele origin: not applicable. Functional consequence: retained intron. Not counted in ClinVar's aggregate classification.